The following is an entry in ClinVar:

NM_025233.7(COASY):c.1068_1069del (p.Cys357fs)

Gene: COASY (Coenzyme A synthase; plus strand). Cytogenetic location: 17q21.2.
Variant type: Deletion.
Coding change: c.1068_1069del on transcript NM_025233.7 (MANE Select); coding-DNA positions 1068 to 1069, 2 bases deleted (AT; older notation c.1068_1069delAT).
Protein change: p.Cys357fs; shifts the reading frame from cysteine 357.
Molecular consequence: frameshift variant.
Genome position (GRCh38, 1-based): chr17:42,564,729-42,564,730, AT deleted. VCF-style (leftmost placement, unchanged base first): chr17-42564728-CAT-C. GRCh37 (hg19) VCF-style: chr17-40716746-CAT-C.
Other names: c.1068_1069del, p.Cys357fs (NM_001042529.3); c.1155_1156del, p.Cys386fs (NM_001042532.4); c.1068_1069delAT (NM_025233.7); short protein forms C357fs, C386fs.
Identifiers: ClinVar variation 1722462 (VCV001722462.2), dbSNP rs752707793, ClinGen allele CA8578197.

ClinVar aggregate classification (germline): Pathogenic (1 of 4 stars; one submission).

Conditions:
Neurodegeneration with brain iron accumulation (NBIA). Identifiers: Orphanet 385, MedGen C2931845, MONDO:0018307.

Allele frequency attached by ClinVar (database versions not stated): gnomAD 0.00001; gnomAD exomes 0.00001; TOPMed 0.00001; ExAC 0.00003.

Submission:

Women's Health and Genetics/Laboratory Corporation of America, LabCorp
Classification: Pathogenic for Neurodegeneration with brain iron accumulation. Last evaluated: 2024-08-08. Review status: criteria provided, single submitter. Criteria: LabCorp Variant Classification Summary - May 2015. Collection method: clinical testing. Allele origin: germline.
Comment: Variant summary: COASY c.1068_1069delAT (p.Cys357SerfsX30) results in a premature termination codon, predicted to cause a truncation of the encoded protein or absence of the protein due to nonsense mediated decay, which are commonly known mechanisms for disease. The variant allele was found at a frequency of 1.7e-05 in 179322 control chromosomes. To our knowledge, no occurrence of c.1068_1069delAT in individuals affected with Neurodegeneration With Brain Iron Accumulation and no experimental evidence demonstrating its impact on protein function have been reported. ClinVar contains an entry for this variant (Variation ID: 1722462). Based on the evidence outlined above, the variant was classified as pathogenic.